The following is an entry in ClinVar:

NM_003079.5(SMARCE1):c.1040T>G (p.Leu347Arg)

Gene: SMARCE1 (SWI/SNF related BAF chromatin remodeling complex subunit E1; minus strand). Cytogenetic location: 17q21.2.
Variant type: single nucleotide variant.
Coding change: c.1040T>G on transcript NM_003079.5 (MANE Select); coding-DNA position 1040, T replaced by G.
Protein change: p.Leu347Arg; replaces leucine 347 with arginine.
Molecular consequence: missense variant.
Genome position (GRCh38, 1-based): chr17:40,628,981, A>C on the plus strand (T>G on the coding strand, the complement: SMARCE1 is on the minus strand). VCF-style: chr17-40628981-A-C. GRCh37 (hg19) VCF-style: chr17-38785233-A-C.
Other names: short protein forms L347R.
Identifiers: ClinVar variation 4170322 (VCV004170322.1).
Genomic context (GRCh38, chr17:40,628,981, plus strand): 5'-TTGTCCTCAGGAGTAGACGTGCCTTCTTCACCATTCTGTTGGCTCTCTGTTGTTTCTTCA[A>C]GGTGTGTCTCCTCTGTAATCACACATTTGTCACTGTCAGTTCCAAGATGAAATTTTACTC-3'
Protein context (NP_003070.3, residues 337-357): NIPMETEETH[Leu347Arg]EETTESQQNG

ClinVar aggregate classification (germline): Uncertain significance (1 of 4 stars; one submission).

Conditions:
Hereditary cancer-predisposing syndrome. Also called: Neoplastic Syndromes, Hereditary; Tumor predisposition; Hereditary Cancer Syndrome; Hereditary neoplastic syndrome. Identifiers: Orphanet 140162, MedGen C0027672, MeSH D009386, MONDO:0015356.

Submission:

Ambry Genetics
Classification: Uncertain significance for Hereditary cancer-predisposing syndrome. Last evaluated: 2025-08-01. Review status: criteria provided, single submitter. Criteria: Ambry Variant Classification Scheme 2023. Collection method: clinical testing. Allele origin: germline.
Comment: The p.L347R variant (also known as c.1040T>G), located in coding exon 10 of the SMARCE1 gene, results from a T to G substitution at nucleotide position 1040. The leucine at codon 347 is replaced by arginine, an amino acid with dissimilar properties. This amino acid position is conserved. In addition, this alteration is predicted to be tolerated by in silico analysis. Based on the available evidence, the clinical significance of this variant remains unclear.